The following is an entry in ClinVar:

ClinVar aggregate classification (germline): Uncertain significance (1 of 4 stars; one submission).

Conditions:
DOCK2 deficiency. Also called: Immunodeficiency 40. Identifiers: Orphanet 447737, MedGen C4225328, MONDO:0014637, OMIM 616433.

Allele frequency attached by ClinVar (database versions not stated): TOPMed below 0.00001.

Submission:

Labcorp Genetics (formerly Invitae), Labcorp
Classification: Uncertain significance for DOCK2 deficiency. Last evaluated: 2021-08-04. Review status: criteria provided, single submitter. Criteria: Invitae Variant Classification Sherloc (09022015). Collection method: clinical testing. Allele origin: germline.
Comment: In summary, the available evidence is currently insufficient to determine the role of this variant in disease. Therefore, it has been classified as a Variant of Uncertain Significance. Algorithms developed to predict the effect of missense changes on protein structure and function (SIFT, PolyPhen-2, Align-GVGD) all suggest that this variant is likely to be tolerated, but these predictions have not been confirmed by published functional studies and their clinical significance is uncertain. This variant has not been reported in the literature in individuals with DOCK2-related conditions. This variant is not present in population databases (ExAC no frequency). This sequence change replaces histidine with arginine at codon 663 of the DOCK2 protein (p.His663Arg). The histidine residue is moderately conserved and there is a small physicochemical difference between histidine and arginine.

NM_004946.3(DOCK2):c.1988A>G (p.His663Arg)

Gene: DOCK2 (dedicator of cytokinesis 2; plus strand). Cytogenetic location: 5q35.1.
Variant type: single nucleotide variant.
Coding change: c.1988A>G on transcript NM_004946.3 (MANE Select); coding-DNA position 1988, A replaced by G.
Protein change: p.His663Arg; replaces histidine 663 with arginine.
Molecular consequence: missense variant. On other transcripts: non-coding transcript variant (1).
Genome position (GRCh38, 1-based): chr5:169,716,259, A>G. VCF-style: chr5-169716259-A-G. GRCh37 (hg19) VCF-style: chr5-169143263-A-G.
Other names: short protein forms H663R.
Identifiers: ClinVar variation 1017614 (VCV001017614.7), dbSNP rs1761910691, ClinGen allele CA362108640.